The following is an entry in ClinVar:

NM_001365480.1(CCDC88A):c.4264C>T (p.Pro1422Ser)

Gene: CCDC88A (coiled-coil and HOOK domain protein 88A; minus strand). Cytogenetic location: 2p16.1.
Variant type: single nucleotide variant.
Coding change: c.4264C>T on transcript NM_001365480.1 (MANE Select); coding-DNA position 4264, C replaced by T.
Protein change: p.Pro1422Ser; replaces proline 1422 with serine.
Molecular consequence: missense variant.
Genome position (GRCh38, 1-based): chr2:55,308,932, G>A on the plus strand (C>T on the coding strand, the complement: CCDC88A is on the minus strand). VCF-style: chr2-55308932-G-A. GRCh37 (hg19) VCF-style: chr2-55536068-G-A.
Other names: c.4261C>T, p.Pro1421Ser (NM_001135597.2, NM_001254943.2); c.4264C>T, p.Pro1422Ser (NM_018084.5); short protein forms P1421S, P1422S.
Identifiers: ClinVar variation 1496660 (VCV001496660.8), dbSNP rs1681980386, ClinGen allele CA346884599.

ClinVar aggregate classification (germline): Uncertain significance (1 of 4 stars; one submission).

Allele frequency attached by ClinVar (database versions not stated): TOPMed below 0.00001.
gnomAD v4.1: 1 of 1,613,926 alleles (0.000062%); highest among the groups gnomAD compares: Non-Finnish European, 0.000085%; no homozygotes.

Submission:

Labcorp Genetics (formerly Invitae), Labcorp
Classification: Uncertain significance. Last evaluated: 2023-08-30. Review status: criteria provided, single submitter. Criteria: Invitae Variant Classification Sherloc (09022015). Collection method: clinical testing. Allele origin: germline.
Comment: This sequence change replaces proline, which is neutral and non-polar, with serine, which is neutral and polar, at codon 1421 of the CCDC88A protein (p.Pro1421Ser). This variant is not present in population databases (gnomAD no frequency). This variant has not been reported in the literature in individuals affected with CCDC88A-related conditions. ClinVar contains an entry for this variant (Variation ID: 1496660). An algorithm developed to predict the effect of missense changes on protein structure and function (PolyPhen-2) suggests that this variant is likely to be disruptive. In summary, the available evidence is currently insufficient to determine the role of this variant in disease. Therefore, it has been classified as a Variant of Uncertain Significance.